The following is an entry in ClinVar:

ClinVar aggregate classification (germline): Conflicting classifications of pathogenicity. Review status: criteria provided, conflicting classifications (1 of 4 stars). 3 submissions from 3 submitters: Uncertain significance (1); Likely benign (2). Last evaluated 2026-06-16.

Conditions:
RECQL4-related disorder. Also called: RECQL4-related disorders; RECQL4-related condition.
Baller-Gerold syndrome (BGS). Also called: CRANIOSYNOSTOSIS WITH RADIAL DEFECTS. Identifiers: Orphanet 1225, MedGen C0265308, MONDO:0009039, OMIM 218600.

Allele frequency attached by ClinVar (database versions not stated): ExAC 0.00014; TOPMed 0.00015; ESP Exome Variant Server 0.00016; gnomAD exomes 0.00023.

Submissions (3):

PreventionGenetics, part of Exact Sciences
Classification: Likely benign for RECQL4-related condition. Last evaluated: 2026-06-16. Review status: criteria provided, single submitter. Criteria: ACMG Guidelines, 2015. Collection method: clinical testing. Allele origin: germline.
Comment: This variant is classified as likely benign based on ACMG/AMP sequence variant interpretation guidelines (Richards et al. 2015 PMID: 25741868, with internal and published modifications).

Labcorp Genetics (formerly Invitae), Labcorp
Classification: Likely benign for Baller-Gerold syndrome. Last evaluated: 2026-01-19. Review status: criteria provided, single submitter. Criteria: Invitae Variant Classification Sherloc (09022015). Collection method: clinical testing. Allele origin: germline.

Dasa
Classification: Uncertain significance. Last evaluated: 2025-04-18. Review status: criteria provided, single submitter. Criteria: DASA Assertion Criteria. Collection method: clinical testing. Allele origin: germline.
Comment: NM_004260.4(RECQL4):c.337C>A (p.Leu113Met) is a missense variant that results in the substitution of leucine with methionine. This variant is rare in population databases. The currently available literature and clinical evidence are not sufficient to establish a definitive association between this variant and the reported condition. Therefore, this variant is classified as a variant of uncertain significance.

NM_004260.4(RECQL4):c.337C>A (p.Leu113Met)

Gene: RECQL4 (RecQ like helicase 4; minus strand). Cytogenetic location: 8q24.3.
Variant type: single nucleotide variant.
Coding change: c.337C>A on transcript NM_004260.4 (MANE Select); coding-DNA position 337, C replaced by A.
Protein change: p.Leu113Met; replaces leucine 113 with methionine.
Molecular consequence: missense variant.
Genome position (GRCh38, 1-based): chr8:144,517,067, G>T on the plus strand (C>A on the coding strand, the complement: RECQL4 is on the minus strand). VCF-style: chr8-144517067-G-T. GRCh37 (hg19) VCF-style: chr8-145742451-G-T.
Other names: short protein forms L113M.
Identifiers: ClinVar variation 407011 (VCV000407011.13), dbSNP rs370011366, ClinGen allele CA4949373.